The following is an entry in ClinVar:

NM_000400.4(ERCC2):c.1875C>G (p.Tyr625Ter)

Gene: ERCC2 (ERCC excision repair 2, TFIIH core complex helicase subunit; minus strand). Cytogenetic location: 19q13.32.
Variant type: single nucleotide variant.
Coding change: c.1875C>G on transcript NM_000400.4 (MANE Select); coding-DNA position 1875, C replaced by G.
Protein change: p.Tyr625Ter; replaces tyrosine 625 with a stop codon.
Molecular consequence: nonsense.
Genome position (GRCh38, 1-based): chr19:45,352,773, G>C on the plus strand (C>G on the coding strand, the complement: ERCC2 is on the minus strand). VCF-style: chr19-45352773-G-C. GRCh37 (hg19) VCF-style: chr19-45856031-G-C.
Other names: short protein forms Y625*.
Identifiers: ClinVar variation 3014852 (VCV003014852.3), dbSNP rs146538967, ClinGen allele CA406363783.
Genomic context (GRCh38, chr19:45,352,773, plus strand): 5'-CTGTGGGACTCCCTGGGAGACAGAGCTACTCACCTTGAGAATGCGGCTCTGTGTGTAGAC[G>C]TAGGGGACGCCAAACATGATGACGGCCCGCCCGTAGTGGTGCACTGGTGGGCAGAGGAGA-3'

ClinVar aggregate classification (germline): Pathogenic (1 of 4 stars; one submission).

gnomAD v4.1: 1 of 1,607,894 alleles (0.000062%); highest among the groups gnomAD compares: African/African-American, 0.0014%; no homozygotes.

Submission:

Labcorp Genetics (formerly Invitae), Labcorp
Classification: Pathogenic. Last evaluated: 2023-02-18. Review status: criteria provided, single submitter. Criteria: Invitae Variant Classification Sherloc (09022015). Collection method: clinical testing. Allele origin: germline.
Comment: This variant has not been reported in the literature in individuals affected with ERCC2-related conditions. This variant is not present in population databases (gnomAD no frequency). This sequence change creates a premature translational stop signal (p.Tyr625*) in the ERCC2 gene. It is expected to result in an absent or disrupted protein product. Loss-of-function variants in ERCC2 are known to be pathogenic (PMID: 9238033, 11335038, 19085937, 19934020). Algorithms developed to predict the effect of sequence changes on RNA splicing suggest that this variant may create or strengthen a splice site. For these reasons, this variant has been classified as Pathogenic.

Literature cited by the submitters: PubMed 9238033; PubMed 11335038; PubMed 19085937; PubMed 19934020.